The following is an entry in ClinVar:

ClinVar aggregate classification (germline): Uncertain significance. Review status: criteria provided, multiple submitters, no conflicts (2 of 4 stars). 2 submissions from 2 submitters: Uncertain significance (2). Last evaluated 2025-11-11.

Conditions:
TTN-related disorder. Also called: TTN-related condition; TTN-related disease; TTN-related disorders.
Autosomal recessive limb-girdle muscular dystrophy type 2J (LGMDR10). Also called: Limb-girdle muscular dystrophy, type 2J; MUSCULAR DYSTROPHY, LIMB-GIRDLE, AUTOSOMAL RECESSIVE 10. Identifiers: Orphanet 140922, MedGen C1837342, MONDO:0012127, OMIM 608807.
Dilated cardiomyopathy 1G (CMD1G). Identifiers: Orphanet 154, MedGen C1858763, MONDO:0011400, OMIM 604145.

Allele frequency attached by ClinVar (database versions not stated): gnomAD exomes below 0.00001; gnomAD 0.00001; TOPMed 0.00001.
gnomAD v4.1: 2 of 1,613,194 alleles (0.00012%); highest among the groups gnomAD compares: African/African-American, 0.0027%; no homozygotes.

Submissions (2):

PreventionGenetics, part of Exact Sciences
Classification: Uncertain significance for TTN-related condition. Last evaluated: 2025-11-11. Review status: criteria provided, single submitter. Criteria: ACMG Guidelines, 2015. Collection method: clinical testing. Allele origin: germline.
Comment: The TTN c.73021T>G variant is predicted to result in the amino acid substitution p.Ser24341Ala. To our knowledge, this variant has not been reported in the literature. This variant is reported in 0.011% of alleles in individuals of African descent in gnomAD. At this time, the clinical significance of this variant is uncertain due to the absence of conclusive functional and genetic evidence.

Labcorp Genetics (formerly Invitae), Labcorp
Classification: Uncertain significance for Dilated cardiomyopathy 1G; Autosomal recessive limb-girdle muscular dystrophy type 2J. Last evaluated: 2017-02-09. Review status: criteria provided, single submitter. Criteria: Invitae Variant Classification Sherloc (09022015). Collection method: clinical testing. Allele origin: germline.

NM_001267550.2(TTN):c.73021T>G (p.Ser24341Ala)

Genes: TTN-AS1 (TTN antisense RNA 1; plus strand), TTN (titin; minus strand). Cytogenetic location: 2q31.2.
Variant type: single nucleotide variant.
Coding change: c.73021T>G on transcript NM_001267550.2 (MANE Select); coding-DNA position 73021, T replaced by G.
Protein change: p.Ser24341Ala; replaces serine 24341 with alanine.
Molecular consequence: missense variant.
Genome position (GRCh38, 1-based): chr2:178,573,111, A>C on the plus strand (T>G on the coding strand, the complement: TTN is on the minus strand). VCF-style: chr2-178573111-A-C. GRCh37 (hg19) VCF-style: chr2-179437838-A-C.
Other names: c.68098T>G, p.Ser22700Ala (NM_001256850.1); c.45826T>G, p.Ser15276Ala (NM_003319.4); c.65317T>G, p.Ser21773Ala (NM_133378.4); c.46201T>G, p.Ser15401Ala (NM_133432.3); c.46402T>G, p.Ser15468Ala (NM_133437.4); short protein forms S24341A, S15468A, S22700A, S15276A, S15401A, S21773A.
Identifiers: ClinVar variation 467453 (VCV000467453.4), dbSNP rs1397935154, ClinGen allele CA349644365.